The following is an entry in ClinVar:

NM_152564.5(VPS13B):c.10062-7C>T

Gene: VPS13B (vacuolar protein sorting 13 homolog B; plus strand). Cytogenetic location: 8q22.2.
Variant type: single nucleotide variant.
Coding change: c.10062-7C>T on transcript NM_152564.5 (MANE Select); 7 bases into the intron before coding-DNA position 10062, C replaced by T.
Molecular consequence: intron variant.
Genome position (GRCh38, 1-based): chr8:99,853,444, C>T. VCF-style: chr8-99853444-C-T. GRCh37 (hg19) VCF-style: chr8-100865672-C-T.
Other names: c.10137-7C>T (NM_017890.5); c.10062-7C>T (NM_152564.4).
Identifiers: ClinVar variation 766761 (VCV000766761.10), dbSNP rs1588785807, ClinGen allele CA915948839.

ClinVar aggregate classification (germline): Likely benign. Review status: criteria provided, single submitter (1 of 4 stars). 2 submissions from 2 submitters: Likely benign (1). 1 of the submissions does not count toward it. Last evaluated 2025-12-24.

Conditions:
VPS13B-related disorder. Also called: VPS13B-related condition.
Cohen syndrome (COH1). Also called: Cutis verticis gyrata, retinitis pigmentosa, and sensorineural deafness; PEPPER SYNDROME. Identifiers: Orphanet 193, MedGen C0265223, MONDO:0008999, OMIM 216550.

Allele frequency attached by ClinVar (database versions not stated): gnomAD 0.00002; gnomAD exomes 0.00003.
gnomAD v4.1: 40 of 1,613,842 alleles (0.0025%); highest among the groups gnomAD compares: Non-Finnish European, 0.0032%; no homozygotes.

Submissions (2):

Labcorp Genetics (formerly Invitae), Labcorp
Classification: Likely benign for Cohen syndrome. Last evaluated: 2025-12-24. Review status: criteria provided, single submitter. Criteria: Invitae Variant Classification Sherloc (09022015). Collection method: clinical testing. Allele origin: germline.

PreventionGenetics, part of Exact Sciences
Classification: Likely benign for VPS13B-related condition. Last evaluated: 2023-05-16. Review status: no assertion criteria provided. Collection method: clinical testing. Allele origin: germline. Not counted in ClinVar's aggregate classification.
Comment: This variant is classified as likely benign based on ACMG/AMP sequence variant interpretation guidelines (Richards et al. 2015 PMID: 25741868, with internal and published modifications).